The following is an entry in ClinVar:

NM_000102.4(CYP17A1):c.506T>C (p.Phe169Ser)

Gene: CYP17A1 (cytochrome P450 family 17 subfamily A member 1; minus strand). Cytogenetic location: 10q24.32.
Variant type: single nucleotide variant.
Coding change: c.506T>C on transcript NM_000102.4 (MANE Select); coding-DNA position 506, T replaced by C.
Protein change: p.Phe169Ser; replaces phenylalanine 169 with serine.
Molecular consequence: missense variant.
Genome position (GRCh38, 1-based): chr10:102,834,945, A>G on the plus strand (T>C on the coding strand, the complement: CYP17A1 is on the minus strand). VCF-style: chr10-102834945-A-G. GRCh37 (hg19) VCF-style: chr10-104594702-A-G.
Other names: short protein forms F169S.
Identifiers: ClinVar variation 2066692 (VCV002066692.1), dbSNP rs751361358, ClinGen allele CA5669541.

ClinVar aggregate classification (germline): Uncertain significance (1 of 4 stars; one submission).

Allele frequency attached by ClinVar (database versions not stated): gnomAD exomes below 0.00001; TOPMed below 0.00001; ExAC 0.00001.
gnomAD v4.1: 2 of 1,613,148 alleles (0.00012%); highest among the groups gnomAD compares: Admixed American, 0.0033%; no homozygotes.

Submission:

Labcorp Genetics (formerly Invitae), Labcorp
Classification: Uncertain significance. Last evaluated: 2022-08-13. Review status: criteria provided, single submitter. Criteria: Invitae Variant Classification Sherloc (09022015). Collection method: clinical testing. Allele origin: germline.
Comment: This sequence change replaces phenylalanine, which is neutral and non-polar, with serine, which is neutral and polar, at codon 169 of the CYP17A1 protein (p.Phe169Ser). This variant is present in population databases (rs751361358, gnomAD 0.003%). This variant has not been reported in the literature in individuals affected with CYP17A1-related conditions. Algorithms developed to predict the effect of missense changes on protein structure and function output the following: SIFT: "Tolerated"; PolyPhen-2: "Benign"; Align-GVGD: "Class C0". The serine amino acid residue is found in multiple mammalian species, which suggests that this missense change does not adversely affect protein function. In summary, the available evidence is currently insufficient to determine the role of this variant in disease. Therefore, it has been classified as a Variant of Uncertain Significance.